The following is an entry in ClinVar:

ClinVar aggregate classification (germline): Uncertain significance (1 of 4 stars; one submission).

Submission:

GeneDx
Classification: Uncertain significance. Last evaluated: 2025-07-10. Review status: criteria provided, single submitter. Criteria: GeneDx Variant Classification Process June 2021. Collection method: clinical testing. Allele origin: germline. Affected: yes.
Comment: Not observed at significant frequency in large population cohorts (gnomAD); In silico analysis supports that this missense variant has a deleterious effect on protein structure/function; Has not been previously published as pathogenic or benign to our knowledge

NM_001395002.1(MAP4K4):c.4120A>G (p.Met1374Val)

Gene: MAP4K4 (mitogen-activated protein kinase kinase kinase kinase 4; plus strand). Cytogenetic location: 2q11.2.
Variant type: single nucleotide variant.
Coding change: c.4120A>G on transcript NM_001395002.1 (MANE Select); coding-DNA position 4120, A replaced by G.
Protein change: p.Met1374Val; replaces methionine 1374 with valine.
Molecular consequence: missense variant. On other transcripts: non-coding transcript variant (4).
Genome position (GRCh38, 1-based): chr2:101,891,214, A>G. VCF-style: chr2-101891214-A-G. GRCh37 (hg19) VCF-style: chr2-102507676-A-G.
Other names: c.3685A>G, p.Met1229Val (NM_001242559.2); c.3673A>G, p.Met1225Val (NM_001242560.2); c.3763A>G, p.Met1255Val (NM_001384476.1); c.3952A>G, p.Met1318Val (NM_001384477.1); c.3442A>G, p.Met1148Val (NM_001384478.1); c.3904A>G, p.Met1302Val (NM_001384481.1); c.3433A>G, p.Met1145Val (NM_001384482.1); c.3715A>G, p.Met1239Val (NM_001384483.1); and 40 more; short protein forms M1139V, M1145V, M1148V, M1155V, M1167V, M1178V, M1179V, M1190V.
Identifiers: ClinVar variation 4685182 (VCV004685182.1).
Genomic context (GRCh38, chr2:101,891,214, plus strand): 5'-TTGCTTTTGCAGGTGTTCTTTGCCTCTGTTCGGTCTGGTGGCAGCAGTCAGGTTTATTTC[A>G]TGACCTTAGGCAGGACTTCTCTTCTGAGCTGGTAGAAGCAGTGTGATCCAGGGATTACTG-3'
Protein context (NP_001381931.1, residues 1364-1384): RSGGSSQVYF[Met1374Val]TLGRTSLLSW